The following is an entry in ClinVar:

ClinVar aggregate classification (germline): Pathogenic/Likely pathogenic. Review status: criteria provided, multiple submitters, no conflicts (2 of 4 stars). 16 submissions from 16 submitters: Pathogenic (12); Likely pathogenic (3). 1 of the submissions does not count toward it. Last evaluated 2026-02-02.

Conditions:
GJB1-related disorder. Also called: GJB1-related condition; GJB1-related disorders.
Charcot-Marie-Tooth Neuropathy X. Identifiers: MedGen CN118851.
Charcot-Marie-Tooth disease. Also called: Charcot-Marie-Tooth Hereditary Neuropathy; Charcot-Marie-Tooth Neuropathy. Identifiers: Orphanet 166, MedGen C0007959, MONDO:0015626.
Charcot-Marie-Tooth disease X-linked dominant 1. Also called: X-linked Charcot-Marie-Tooth disease type 1; GJB1 Disorders: Charcot-Marie-Tooth Neuropathy (CMT1X) and Central Nervous System Phenotypes; CHARCOT-MARIE-TOOTH NEUROPATHY, X-LINKED, 1; CHARCOT-MARIE-TOOTH PERONEAL MUSCULAR ATROPHY, X-LINKED; HEREDITARY MOTOR AND SENSORY NEUROPATHY, X-LINKED; HMSN, X-LINKED. Identifiers: Orphanet 101075, MedGen C0393808, MONDO:0010549, OMIM 302800.

Allele frequency attached by ClinVar (database versions not stated): gnomAD exomes 0.00001.
gnomAD v4.1: 1 of 203,114 alleles (0.00049%); highest among the groups gnomAD compares: East Asian, 0.012%; no homozygotes.

Submissions (16):

Labcorp Genetics (formerly Invitae), Labcorp
Classification: Pathogenic for Charcot-Marie-Tooth Neuropathy X. Last evaluated: 2026-02-02. Review status: criteria provided, single submitter. Criteria: Invitae Variant Classification Sherloc (09022015). Collection method: clinical testing. Allele origin: germline.
Comment: This variant occurs in a non-coding region of the GJB1 gene. It does not change the encoded amino acid sequence of the GJB1 protein. The frequency data for this variant in the population databases is considered unreliable, as metrics indicate insufficient coverage at this position in the gnomAD database. This variant has been observed in individuals with Charcot-Marie-Tooth disease (PMID: 8757034, 19335535, 23827825, 26392352, 28283593, 28768847). It has also been observed to segregate with disease in related individuals. This variant is also known as c.-458C>T and c.-459C>T. ClinVar contains an entry for this variant (Variation ID: 217166). Studies have shown that this variant alters GJB1 gene expression (PMID: 10931843, 23827825). For these reasons, this variant has been classified as Pathogenic.

Medical and Scientific Branch, Hong Kong Genome Institute
Classification: Likely pathogenic for Charcot-Marie-Tooth disease X-linked dominant 1. Last evaluated: 2026-01-26. Review status: criteria provided, single submitter. Criteria: ACMG Guidelines, 2015. Collection method: clinical testing. Allele origin: unknown. Affected: yes.

GeneDx
Classification: Pathogenic. Last evaluated: 2025-10-01. Review status: criteria provided, single submitter. Criteria: GeneDx Variant Classification Process June 2021. Collection method: clinical testing. Allele origin: germline. Affected: yes.
Comment: Published functional studies indicate impaired protein expression (PMID: 10931843, 23827825); No data available from control populations to assess the frequency of this variant; Also known as c.-459 C>T; This variant is associated with the following publications: (PMID: 31211173, 28283593, 23827825, 8757034, 31827005, 35850704, 37284795, 33136338, 34089394, 26392352, 10931843, 19335535)

Natera, Inc.
Classification: Pathogenic for Charcot-Marie-Tooth disease. Last evaluated: 2025-06-29. Review status: criteria provided, single submitter. Criteria: Natera Variant Classification Schema (03/2026). Collection method: clinical testing. Allele origin: germline.
Comment: The c.-103C>T variant in GJB1 is a 5' untranslated region (UTR) variant located upstream of the translation start codon. This variant is rare in the general population with a frequency below the threshold expected for the associated phenotype(s). This variant has been observed in affected individual(s) with monoallelic occurrence (heterozygous/hemizygous) (PMID: 31920494, 26392352, 32903794). Additionally, this variant has been observed to segregate in affected family members (PMID: 8757034, 19335535, 28283593). Computational prediction algorithms indicate this variant is likely to affect gene or protein function. Given the available evidence, this variant is classified as Pathogenic.

Division of Genetic & Genomic Pathology, Hong Kong Children's Hospital
Classification: Pathogenic for Charcot-Marie-Tooth disease X-linked dominant 1. Last evaluated: 2024-09-10. Review status: criteria provided, single submitter. Criteria: ACMG Guidelines, 2015. Collection method: clinical testing. Allele origin: germline. Affected: yes.
Comment: GJB1 c.-103C>T located in the 5` untranslated region (5'UTR) of the GJB1 gene has been reported in multiple patients affected by Charcot-Marie-Tooth (CMT) neuropathy in different populations (PMID: 8757034, 19335535, 23827825, 28283593, 31211173, 31827005). Functional characterization suggested this variant disrupted the internal ribosome entry sites (PMID: 10931843, 23827825). In ClinVar, multiple submitters reported it as pathogenic/likely pathogenic (Accession: VCV000217166.36). The population frequency in gnomAD v4.1.0 is very low (total: 1 in 203114 alleles; East Asian: 1 in 8604 alleles; no XY). For these reasons, GJB1 c.-103C>T is classified as pathogenic.

Fulgent Genetics
Classification: Pathogenic for Charcot-Marie-Tooth disease X-linked dominant 1. Last evaluated: 2024-03-15. Review status: criteria provided, single submitter. Criteria: ACMG Guidelines, 2015. Collection method: clinical testing. Allele origin: germline.

Women's Health and Genetics/Laboratory Corporation of America, LabCorp
Classification: Pathogenic for Charcot-Marie-Tooth disease X-linked dominant 1. Last evaluated: 2024-03-15. Review status: criteria provided, single submitter. Criteria: LabCorp Variant Classification Summary - May 2015. Collection method: clinical testing. Allele origin: germline.
Comment: Variant summary: GJB1 c.-103C>T is located in the untranslated mRNA region upstream of the initiation codon. The variant was absent in 21640 control chromosomes (gnomAD). c.-103C>T has been reported in the literature in multiple individuals affected with Charcot-Marie-Tooth disease X-linked dominant 1 (Record_2023). These data indicate that the variant is very likely to be associated with disease. The following publication has been ascertained in the context of this evaluation (PMID: 37284795). ClinVar contains an entry for this variant (Variation ID: 217166). Based on the evidence outlined above, the variant was classified as pathogenic.

Molecular Genetics, Royal Melbourne Hospital
Classification: Likely pathogenic for Charcot-Marie-Tooth disease X-linked dominant 1. Last evaluated: 2024-01-05. Review status: criteria provided, single submitter. Criteria: ACMG Guidelines, 2015. Collection method: clinical testing. Allele origin: germline. Inheritance: Autosomal dominant inheritance. Affected: yes.
Comment: This sequence change in GJB1 is located in the 5' untranslated promotor (P2) region (PMID: 20301548). Multiple functional studies using rat models and luciferase functional studies, assessing protein translation at the internal ribsome entry site (IRES) showed conflicting results suggesting the mechanism of disease is still unknown and requires further investigation (PMID: 34089394, 10931843, 23827825). This variant is present in a single individual from the East Asian population in the population database gnomAD v4.0 (1/4994 alleles). This variant has also been reported as c.-459C>T in the literature. This variant has been reported in multiple unrelated individuals with Charcot-Marie-Tooth (CMT) neuropathy and segregates with disease in at least two families (PMID: 19335535, 37284795, 23827825, 26392352, 28283593, 31827005, 31211173, 18379723, 31920494, ClinVar ID: 217166). Based on the classification scheme RMH Modified ACMG/AMP Guidelines v1.6.1, this variant is classified as LIKELY PATHOGENIC. Following criteria are met: PM2_Supporting, PP1_Strong, PS4

Institute of Human Genetics Munich, TUM University Hospital
Classification: Pathogenic for Charcot-Marie-Tooth disease X-linked dominant 1. Last evaluated: 2023-08-01. Review status: criteria provided, single submitter. Criteria: Classification criteria August 2017. Collection method: clinical testing. Allele origin: germline. Inheritance: X-linked inheritance. Affected: yes. Observed: 1 variant allele.

Revvity Omics, Revvity
Classification: Pathogenic for Charcot-Marie-Tooth disease X-linked dominant 1. Last evaluated: 2023-06-06. Review status: criteria provided, single submitter. Criteria: ACMG Guidelines, 2015. Collection method: clinical testing. Allele origin: germline.

Pangenia Genomics, Pangenia Inc.
Classification: Likely pathogenic for Charcot-Marie-Tooth disease X-linked dominant 1. Last evaluated: 2022-10-14. Review status: criteria provided, single submitter. Criteria: ACMG Guidelines, 2015. Collection method: research. Allele origin: unknown. Inheritance: X-linked dominant inheritance. Affected: yes. Observed: 2 variant alleles, 2 hemizygotes.
Comment: The GJB1, c.-103C>T variant was detected in multiple affected family members with a clinical diagnosis of CMT. The variant has also been reported in multiple families of various ethnicities to co-segregate with CMT (PMID: 8757034, 10671058, 19335535, 21918739, 28283593). This variant was reported to affect an IRES (internal ribosomal entry site) and subsequently the translation of GJB1 by luciferase reporter assays in transgenic mice and transfected cells (previously reported as c.-459C>T and c.-458C>T in the literature, PMID: 10931843, 23827825), although a recent study did not recapitulate the results (PMID: 34089394). This variant is found only once in African population in gnomAD genomes, and not found in East Asian population in gnomAD genomes. Furthermore, this variant has been detected in multiple unrelated patients with CMT from various countries (PMID: 18379723, 23827825, 26392352, 28768847, 31211173, 31920494, 33136338, 31827005), and not detected in controls in some studies (PMID: 8757034, 19335535).

Department of Human Genetics, Hannover Medical School
Classification: Pathogenic for Charcot-Marie-Tooth disease X-linked dominant 1. Last evaluated: 2022-07-27. Review status: criteria provided, single submitter. Criteria: ACMG Guidelines, 2015. Collection method: clinical testing. Allele origin: germline. Inheritance: X-linked inheritance. Affected: yes.

Blueprint Genetics
Classification: Pathogenic for GJB1-related disorders. Last evaluated: 2022-07-14. Review status: criteria provided, single submitter. Criteria: ACMG Guidelines, 2015. Collection method: clinical testing. Allele origin: germline. Affected: yes. Observed: 2 variant alleles.

CeGaT Center for Human Genetics Tuebingen
Classification: Pathogenic. Last evaluated: 2022-03-01. Review status: criteria provided, single submitter. Criteria: CeGaT Center For Human Genetics Tuebingen Variant Classification Criteria Version 2. Collection method: clinical testing. Allele origin: germline. Affected: yes. Observed: 1 variant allele.
Comment: GJB1: PP1:Strong, PM2, PS4:Moderate, PP4, PS3:Supporting

Athena Diagnostics
Classification: Pathogenic. Last evaluated: 2021-10-06. Review status: criteria provided, single submitter. Criteria: Athena Diagnostics Criteria. Collection method: clinical testing. Allele origin: unknown.
Comment: This variant has not been reported in large, multi-ethnic general populations. This variant has been identified in multiple unrelated individuals with clinical features associated with this gene. In some published literature, this variant is referred to as c.-458C>T or c.-459C>T. This variant segregates with disease in multiple families. Assessment of experimental evidence suggests this variant results in abnormal protein function. This variant significantly affects translation by disrupting an Internal Ribosome Entry Site (IRES) (PMID: 10931843, 23827825, 34089394).

Codex Genetics Limited
Classification: Pathogenic for X-linked hereditary motor and sensory neuropathy. Last evaluated: 2019-02-28. Review status: no assertion criteria provided. Collection method: provider interpretation. Allele origin: germline. Affected: yes. Not counted in ClinVar's aggregate classification.

Literature cited by the submitters: PubMed 8757034 (cited by 6 submitters); PubMed 19335535 (cited by 7 submitters); PubMed 23827825 (cited by 6 submitters); PubMed 26392352 (cited by 5 submitters); PubMed 28283593 (cited by 7 submitters); PubMed 28768847 (cited by 4 submitters); PubMed 10931843 (cited by 6 submitters); PubMed 31920494 (cited by 3 submitters); PubMed 32903794 (cited by Natera, Inc.); PubMed 31211173 (cited by 4 submitters); PubMed 31827005 (cited by 3 submitters); PubMed 37284795 (cited by Women's Health and Genetics/Laboratory Corporation of America, LabCorp and Molecular Genetics, Royal Melbourne Hospital); PubMed 18379723 (cited by Molecular Genetics, Royal Melbourne Hospital and Pangenia Genomics, Pangenia Inc.); PubMed 20301548 (cited by Molecular Genetics, Royal Melbourne Hospital); PubMed 34089394 (cited by 3 submitters); PubMed 10671058 (cited by Pangenia Genomics, Pangenia Inc.); PubMed 21918739 (cited by Pangenia Genomics, Pangenia Inc.); PubMed 33136338 (cited by Pangenia Genomics, Pangenia Inc. and Athena Diagnostics).

NM_000166.6(GJB1):c.-103C>T

Gene: GJB1 (gap junction protein beta 1; plus strand). Cytogenetic location: Xq13.1.
Variant type: single nucleotide variant.
Coding change: c.-103C>T on transcript NM_000166.6 (MANE Select); 103 bases upstream of the start codon, C replaced by T.
Molecular consequence: 5 prime UTR variant. On other transcripts: intron variant (1).
Genome position (GRCh38, 1-based): chrX:71,223,249, C>T. VCF-style: chrX-71223249-C-T. GRCh37 (hg19) VCF-style: chrX-70443099-C-T.
Other names: c.-16-443C>T (NM_001097642.3).
Identifiers: ClinVar variation 217166 (VCV000217166.63), dbSNP rs863224971, ClinGen allele CA279082.